The following is an entry in ClinVar:

ClinVar aggregate classification (germline): Uncertain significance (1 of 4 stars; one submission).

Conditions:
Charcot-Marie-Tooth disease type 2. Also called: Charcot-Marie-Tooth type 2. Identifiers: Orphanet 64746, MedGen C0270914, MONDO:0018993.

Allele frequency attached by ClinVar (database versions not stated): gnomAD exomes 0.00001; TOPMed below 0.00001; ExAC 0.00001.
gnomAD v4.1: 4 of 1,614,182 alleles (0.00025%); highest among the groups gnomAD compares: Admixed American, 0.0017%; no homozygotes.

Submission:

Labcorp Genetics (formerly Invitae), Labcorp
Classification: Uncertain significance for Charcot-Marie-Tooth disease type 2. Last evaluated: 2023-02-21. Review status: criteria provided, single submitter. Criteria: Invitae Variant Classification Sherloc (09022015). Collection method: clinical testing. Allele origin: germline.
Comment: This sequence change replaces leucine, which is neutral and non-polar, with isoleucine, which is neutral and non-polar, at codon 640 of the MFN2 protein (p.Leu640Ile). Advanced modeling of protein sequence and biophysical properties (such as structural, functional, and spatial information, amino acid conservation, physicochemical variation, residue mobility, and thermodynamic stability) has been performed at Invitae for this missense variant, however the output from this modeling did not meet the statistical confidence thresholds required to predict the impact of this variant on MFN2 protein function. In summary, the available evidence is currently insufficient to determine the role of this variant in disease. Therefore, it has been classified as a Variant of Uncertain Significance. This variant has not been reported in the literature in individuals affected with MFN2-related conditions. This variant is present in population databases (rs764683093, gnomAD 0.0009%).

NM_014874.4(MFN2):c.1918C>A (p.Leu640Ile)

Gene: MFN2 (mitofusin 2; plus strand). Cytogenetic location: 1p36.22.
Variant type: single nucleotide variant.
Coding change: c.1918C>A on transcript NM_014874.4 (MANE Select); coding-DNA position 1918, C replaced by A.
Protein change: p.Leu640Ile; replaces leucine 640 with isoleucine.
Molecular consequence: missense variant.
Genome position (GRCh38, 1-based): chr1:12,007,098, C>A. VCF-style: chr1-12007098-C-A. GRCh37 (hg19) VCF-style: chr1-12067155-C-A.
Other names: c.1918C>A, p.Leu640Ile (NM_001127660.2); short protein forms L640I.
Identifiers: ClinVar variation 2968527 (VCV002968527.3), dbSNP rs764683093, ClinGen allele CA599273.